The following is an entry in ClinVar:

NM_001042492.3(NF1):c.5379A>G (p.Leu1793=)

Gene: NF1 (neurofibromin 1; plus strand). Cytogenetic location: 17q11.2.
Variant type: single nucleotide variant.
Coding change: c.5379A>G on transcript NM_001042492.3 (MANE Select); coding-DNA position 5379, A replaced by G.
Protein change: p.Leu1793=; no amino-acid change (leucine 1793 retained).
Molecular consequence: synonymous variant.
Genome position (GRCh38, 1-based): chr17:31,327,609, A>G. VCF-style: chr17-31327609-A-G. GRCh37 (hg19) VCF-style: chr17-29654627-A-G.
Other names: c.5316A>G, p.Leu1772= (NM_000267.4).
Identifiers: ClinVar variation 1628094 (VCV001628094.9), dbSNP rs2151541156, ClinGen allele CA499446046.

ClinVar aggregate classification (germline): Benign/Likely benign. Review status: criteria provided, multiple submitters, no conflicts (2 of 4 stars). 2 submissions from 2 submitters: Benign (1); Likely benign (1). Last evaluated 2026-05-20.

Conditions:
Neurofibromatosis, type 1 (NF1). Also called: VON RECKLINGHAUSEN DISEASE; NEUROFIBROMATOSIS, TYPE I, SOMATIC; Neurofibromatosis, type I; Peripheral type neurofibromatosis. Identifiers: Orphanet 636, MedGen C0027831, MONDO:0018975, OMIM 162200. Disease mechanism: loss of function.

Submissions (2):

Myriad Genetics, Inc.
Classification: Benign for Neurofibromatosis, type 1. Last evaluated: 2026-05-20. Review status: criteria provided, single submitter. Criteria: Myriad Autosomal Dominant, Autosomal Recessive and X-Linked Classification Criteria (2023). Collection method: clinical testing. Allele origin: unknown.
Comment: This variant is considered benign. This variant is a silent/synonymous amino acid change and it is not expected to impact splicing.

Labcorp Genetics (formerly Invitae), Labcorp
Classification: Likely benign for Neurofibromatosis, type 1. Last evaluated: 2023-12-07. Review status: criteria provided, single submitter. Criteria: Invitae Variant Classification Sherloc (09022015). Collection method: clinical testing. Allele origin: germline.